The following is an entry in ClinVar:

NM_000093.5(COL5A1):c.1084G>A (p.Glu362Lys)

Gene: COL5A1 (collagen type V alpha 1 chain; plus strand). Cytogenetic location: 9q34.3.
Variant type: single nucleotide variant.
Coding change: c.1084G>A on transcript NM_000093.5 (MANE Select); coding-DNA position 1084, G replaced by A.
Protein change: p.Glu362Lys; replaces glutamic acid 362 with lysine.
Molecular consequence: missense variant.
Genome position (GRCh38, 1-based): chr9:134,730,395, G>A. VCF-style: chr9-134730395-G-A. GRCh37 (hg19) VCF-style: chr9-137622241-G-A.
Other names: c.1084G>A (NM_000093.3); c.1084G>A, p.Glu362Lys (NM_001278074.1); short protein forms E362K.
Identifiers: ClinVar variation 1947535 (VCV001947535.6), dbSNP rs571932580, ClinGen allele CA5318629.

ClinVar aggregate classification (germline): Conflicting classifications of pathogenicity. Review status: criteria provided, conflicting classifications (1 of 4 stars). 2 submissions from 2 submitters: Uncertain significance (1); Benign (1). Last evaluated 2025-05-23.

Conditions:
Ehlers-Danlos syndrome, classic type, 1 (EDSCL1). Also called: Ehlers-Danlos syndrome, type 1; Ehlers-Danlos Syndrome, Classic Type, COL5A1-Related; EDS I; EHLERS-DANLOS SYNDROME, GRAVIS TYPE; EHLERS-DANLOS SYNDROME, SEVERE CLASSIC TYPE. Identifiers: MedGen C0268335, MONDO:0019567, OMIM 130000.

Allele frequency attached by ClinVar (database versions not stated): gnomAD exomes below 0.00001; 1000 Genomes Project 30x 0.00016; ExAC 0.00002; gnomAD 0.00003; TOPMed 0.00001; 1000 Genomes Project 0.00020.
gnomAD v4.1: 8 of 1,614,218 alleles (0.0005%); highest among the groups gnomAD compares: Admixed American, 0.01%; no homozygotes.

Submissions (2):

GeneDx
Classification: Uncertain significance. Last evaluated: 2025-05-23. Review status: criteria provided, single submitter. Criteria: GeneDx Variant Classification Process June 2021. Collection method: clinical testing. Allele origin: germline. Affected: yes.
Comment: Not observed at significant frequency in large population cohorts (gnomAD); In silico analysis suggests that this missense variant does not alter protein structure/function; Has not been previously published as pathogenic or benign to our knowledge; This variant is associated with the following publications: (PMID: 22696272)

Labcorp Genetics (formerly Invitae), Labcorp
Classification: Benign for Ehlers-Danlos syndrome, classic type, 1. Last evaluated: 2025-04-19. Review status: criteria provided, single submitter. Criteria: Invitae Variant Classification Sherloc (09022015). Collection method: clinical testing. Allele origin: germline.